The following is an entry in ClinVar:

ClinVar aggregate classification (germline): Uncertain significance (1 of 4 stars; one submission).

Conditions:
Mosaic variegated aneuploidy syndrome 2 (MVA2). Identifiers: Orphanet 1052, MedGen C3279843, MONDO:0013582, OMIM 614114.

Submission:

Labcorp Genetics (formerly Invitae), Labcorp
Classification: Uncertain significance for Mosaic variegated aneuploidy syndrome 2. Last evaluated: 2022-07-26. Review status: criteria provided, single submitter. Criteria: Invitae Variant Classification Sherloc (09022015). Collection method: clinical testing. Allele origin: germline.
Comment: In summary, the available evidence is currently insufficient to determine the role of this variant in disease. Therefore, it has been classified as a Variant of Uncertain Significance. Algorithms developed to predict the effect of sequence changes on RNA splicing suggest that this variant may disrupt the consensus splice site. ClinVar contains an entry for this variant (Variation ID: 571688). This variant has not been reported in the literature in individuals affected with CEP57-related conditions. This variant is not present in population databases (gnomAD no frequency). This sequence change falls in intron 4 of the CEP57 gene. It does not directly change the encoded amino acid sequence of the CEP57 protein.

NM_014679.5(CEP57):c.505-9_505-6del

Gene: CEP57 (centrosomal protein 57; plus strand). Cytogenetic location: 11q21.
Variant type: Deletion.
Coding change: c.505-9_505-6del on transcript NM_014679.5 (MANE Select); 9 bases into the intron before coding-DNA position 505 through 6 bases into the intron before coding-DNA position 505, 4 bases deleted (GTTT; older notation c.505-9_505-6delGTTT).
Molecular consequence: intron variant.
Genome position (GRCh38, 1-based): chr11:95,817,778-95,817,781, GTTT deleted; deleting any 4 consecutive bases within chr11:95,817,776-95,817,781 gives the same sequence; the c. name uses the placement nearest the transcript's 3' end. VCF-style (leftmost placement, unchanged base first): chr11-95817775-ATTGT-A. GRCh37 (hg19) VCF-style: chr11-95550939-ATTGT-A.
Other names: c.505-9_505-6delGTTT (NM_014679.4); c.424-9_424-6del (NM_001363604.2); c.478-9_478-6del (NM_001243776.2); c.505-9_505-6del (NM_001243777.2).
Identifiers: ClinVar variation 571688 (VCV000571688.10), dbSNP rs1565326346, ClinGen allele CA891843466.
Genomic context (GRCh38, chr11:95,817,775, plus strand): 5'-AAAAACACTGCTCAGTGTTTTTCTCTTTTTTGATTGTCAAATTATCAAGCCGTATTGAAT[ATTGT>A]TTTTCAGGTTTCCCTAGAAAGAGAACGACAACATGATCAAACACATGTTCAGAGCCAACT-3'